The following is an entry in ClinVar:

NM_152564.5(VPS13B):c.4987C>T (p.Pro1663Ser)

Gene: VPS13B (vacuolar protein sorting 13 homolog B; plus strand). Cytogenetic location: 8q22.2.
Variant type: single nucleotide variant.
Coding change: c.4987C>T on transcript NM_152564.5 (MANE Select); coding-DNA position 4987, C replaced by T.
Protein change: p.Pro1663Ser; replaces proline 1663 with serine.
Molecular consequence: missense variant.
Genome position (GRCh38, 1-based): chr8:99,575,695, C>T. VCF-style: chr8-99575695-C-T. GRCh37 (hg19) VCF-style: chr8-100587923-C-T.
Other names: c.5062C>T, p.Pro1688Ser (NM_017890.5); short protein forms P1688S, P1663S.
Identifiers: ClinVar variation 5002423 (VCV005002423.1).

ClinVar aggregate classification (germline): Uncertain significance (1 of 4 stars; one submission).

Conditions:
VPS13B-related disorder. Also called: VPS13B-related condition.

Submission:

PreventionGenetics, part of Exact Sciences
Classification: Uncertain significance for VPS13B-related condition. Last evaluated: 2025-05-15. Review status: criteria provided, single submitter. Criteria: ACMG Guidelines, 2015. Collection method: clinical testing. Allele origin: germline.
Comment: The VPS13B c.4987C>T variant is predicted to result in the amino acid substitution p.Pro1663Ser. To our knowledge, this variant has not been reported in the literature or in a large population database (gnomAD), indicating this variant is rare. At this time, the clinical significance of this variant is uncertain due to the absence of conclusive functional and genetic evidence.